The following is an entry in ClinVar:

ClinVar aggregate classification (germline): Uncertain significance. Review status: criteria provided, multiple submitters, no conflicts (2 of 4 stars). 2 submissions from 2 submitters: Uncertain significance (2). Last evaluated 2023-11-11.

Conditions:
Pancreatic adenocarcinoma. Identifiers: MedGen C0281361, MONDO:0006047, HP:0006725.

Allele frequency attached by ClinVar (database versions not stated): TOPMed 0.00001.
gnomAD v4.1: 3 of 1,613,876 alleles (0.00019%); highest among the groups gnomAD compares: Middle Eastern, 0.016%; no homozygotes.

Submissions (2):

Ambry Genetics
Classification: Uncertain significance. Last evaluated: 2023-11-11. Review status: criteria provided, single submitter. Criteria: Ambry Variant Classification Scheme 2023. Collection method: clinical testing. Allele origin: germline.
Comment: The p.I1013M variant (also known as c.3039T>G), located in coding exon 17 of the PALLD gene, results from a T to G substitution at nucleotide position 3039. The isoleucine at codon 1013 is replaced by methionine, an amino acid with highly similar properties. This amino acid position is conserved. In addition, this alteration is predicted to be tolerated by in silico analysis. Since supporting evidence is limited at this time, the clinical significance of this alteration remains unclear.

Labcorp Genetics (formerly Invitae), Labcorp
Classification: Uncertain significance for Pancreatic adenocarcinoma. Last evaluated: 2018-10-03. Review status: criteria provided, single submitter. Criteria: Invitae Variant Classification Sherloc (09022015). Collection method: clinical testing. Allele origin: germline.
Comment: This sequence change replaces isoleucine with methionine at codon 526 of the PALLD protein (p.Ile526Met). The isoleucine residue is highly conserved and there is a small physicochemical difference between isoleucine and methionine. This variant is not present in population databases (ExAC no frequency). This variant has not been reported in the literature in individuals with PALLD-related disease. Algorithms developed to predict the effect of missense changes on protein structure and function are either unavailable or do not agree on the potential impact of this missense change (SIFT: "Deleterious"; PolyPhen-2: "Possibly Damaging"; Align-GVGD: "Class C0"). In summary, the available evidence is currently insufficient to determine the role of this variant in disease. Therefore, it has been classified as a Variant of Uncertain Significance.

NM_001166108.2(PALLD):c.3090T>G (p.Ile1030Met)

Genes: CBR4 (carbonyl reductase 4; minus strand), PALLD (palladin, cytoskeletal associated protein; plus strand). Cytogenetic location: 4q32.3.
Variant type: single nucleotide variant.
Coding change: c.3090T>G on transcript NM_001166108.2 (MANE Select); coding-DNA position 3090, T replaced by G.
Protein change: p.Ile1030Met; replaces isoleucine 1030 with methionine.
Molecular consequence: missense variant.
Genome position (GRCh38, 1-based): chr4:168,924,286, T>G. VCF-style: chr4-168924286-T-G. GRCh37 (hg19) VCF-style: chr4-169845437-T-G.
Other names: c.1893T>G, p.Ile631Met (NM_001166109.2); c.1578T>G, p.Ile526Met (NM_001166110.2); c.918T>G, p.Ile306Met (NM_001367567.1, NM_001367569.1); c.969T>G, p.Ile323Met (NM_001367568.1, NM_001367570.1); c.3039T>G, p.Ile1013Met (NM_016081.4); short protein forms I1013M, I306M, I526M, I631M, I1030M, I323M.
Identifiers: ClinVar variation 641520 (VCV000641520.11), dbSNP rs767384375, ClinGen allele CA358711840.